The following is an entry in ClinVar:

ClinVar aggregate classification (germline): Pathogenic/Likely pathogenic. Review status: criteria provided, multiple submitters, no conflicts (2 of 4 stars). 4 submissions from 4 submitters: Pathogenic (1); Likely pathogenic (3). Last evaluated 2024-11-07.

Conditions:
MPI-congenital disorder of glycosylation. Also called: MPI DEFICIENCY; CDG Ib; MANNOSEPHOSPHATE ISOMERASE DEFICIENCY; MPI-CDG; PROTEIN-LOSING ENTEROPATHY-HEPATIC FIBROSIS SYNDROME; CONGENITAL DISORDER OF GLYCOSYLATION, TYPE Ib. Identifiers: Orphanet 79319, MedGen C1865145, MONDO:0011257, OMIM 602579.

Submissions (4):

Natera, Inc.
Classification: Likely pathogenic for Congenital disorder of glycosylation type 1b. Last evaluated: 2024-11-07. Review status: criteria provided, single submitter. Criteria: Natera Variant Classification Schema (03/2026). Collection method: clinical testing. Allele origin: germline.
Comment: The c.1087delG variant in MPI is a frameshift variant predicted to shift the reading frame beginning at codon 363 and leads to a stop codon 9 codons downstream. This variant is expected to result in nonsense mediated decay, truncation, or a dysfunctional protein product. This variant is rare in the general population with a frequency below the threshold expected for the associated phenotype(s). Given the available evidence, this variant is classified as Likely Pathogenic.

Fulgent Genetics
Classification: Likely pathogenic for MPI-congenital disorder of glycosylation. Last evaluated: 2024-02-21. Review status: criteria provided, single submitter. Criteria: ACMG Guidelines, 2015. Collection method: clinical testing. Allele origin: germline.

Labcorp Genetics (formerly Invitae), Labcorp
Classification: Pathogenic for MPI-congenital disorder of glycosylation. Last evaluated: 2023-08-16. Review status: criteria provided, single submitter. Criteria: Invitae Variant Classification Sherloc (09022015). Collection method: clinical testing. Allele origin: germline.
Comment: This variant is not present in population databases (gnomAD no frequency). This sequence change creates a premature translational stop signal (p.Ala363Hisfs*9) in the MPI gene. While this is not anticipated to result in nonsense mediated decay, it is expected to disrupt the last 61 amino acid(s) of the MPI protein. For these reasons, this variant has been classified as Pathogenic. This variant disrupts a region of the MPI protein in which other variant(s) (p.Ile398Thr) have been determined to be pathogenic (PMID: 10484808, 30545931). This suggests that this is a clinically significant region of the protein, and that variants that disrupt it are likely to be disease-causing. ClinVar contains an entry for this variant (Variation ID: 1066557). This variant has not been reported in the literature in individuals affected with MPI-related conditions.

Baylor Genetics
Classification: Likely pathogenic for MPI-congenital disorder of glycosylation. Last evaluated: 2022-11-03. Review status: criteria provided, single submitter. Criteria: ACMG Guidelines, 2015. Collection method: clinical testing. Allele origin: unknown.

Literature cited by the submitters: PubMed 10484808 (cited by Labcorp Genetics (formerly Invitae), Labcorp); PubMed 30545931 (cited by Labcorp Genetics (formerly Invitae), Labcorp).

NM_002435.3(MPI):c.1087del (p.Ala363fs)

Gene: MPI (mannose phosphate isomerase; plus strand). Cytogenetic location: 15q24.1.
Variant type: Deletion.
Coding change: c.1087del on transcript NM_002435.3 (MANE Select); coding-DNA position 1087, one base deleted (G; older notation c.1087delG).
Protein change: p.Ala363fs; shifts the reading frame from alanine 363.
Molecular consequence: frameshift variant. On other transcripts: 3 prime UTR variant (1).
Genome position (GRCh38, 1-based): chr15:74,897,545, G deleted; the last of 2 consecutive G bases (chr15:74,897,544-74,897,545); deleting either gives the same sequence. VCF-style (leftmost placement, unchanged base first): chr15-74897543-TG-T. GRCh37 (hg19) VCF-style: chr15-75189884-TG-T.
Other names: c.*14del (NM_001289155.2); c.937del, p.Ala313fs (NM_001289156.2); c.904del, p.Ala302fs (NM_001289157.2); c.1027del, p.Ala343fs (NM_001330372.2); c.1087delG (NM_002435.2); short protein forms A302fs, A313fs, A343fs, A363fs.
Identifiers: ClinVar variation 1066557 (VCV001066557.15), dbSNP rs2141209567, ClinGen allele CA2499223097.
Genomic context (GRCh38, chr15:74,897,543, plus strand): 5'-GCACTGCCTTATCATTTCTTCCTGCCCAGGTCCCTGGCTCTGTCACTGAATACAAGGTCT[TG>T]GCACTGGACTCTGCCAGCATCCTCCTGATGGTACAGGGGACAGTAATAGCCAGCACACCC-3'